The following is an entry in ClinVar:

ClinVar aggregate classification (germline): Likely benign. Review status: criteria provided, multiple submitters, no conflicts (2 of 4 stars). 3 submissions from 3 submitters: Likely benign (2). 1 of the submissions does not count toward it. Last evaluated 2026-03-06.

Conditions:
Hereditary cancer-predisposing syndrome. Also called: Tumor predisposition; Neoplastic Syndromes, Hereditary; Hereditary Cancer Syndrome; Hereditary neoplastic syndrome. Identifiers: Orphanet 140162, MedGen C0027672, MeSH D009386, MONDO:0015356.
SMARCA4-related disorder. Also called: SMARCA4-related condition.
Rhabdoid tumor predisposition syndrome 2 (RTPS2). Identifiers: Orphanet 231108, Orphanet 69077, MedGen C2750074, MONDO:0013224, OMIM 613325.

Submissions (3):

Ambry Genetics
Classification: Likely benign for Hereditary cancer-predisposing syndrome. Last evaluated: 2026-03-06. Review status: criteria provided, single submitter. Criteria: Ambry Variant Classification Scheme 2023. Collection method: clinical testing. Allele origin: germline.

Labcorp Genetics (formerly Invitae), Labcorp
Classification: Likely benign for Rhabdoid tumor predisposition syndrome 2. Last evaluated: 2025-01-06. Review status: criteria provided, single submitter. Criteria: Invitae Variant Classification Sherloc (09022015). Collection method: clinical testing. Allele origin: germline.

PreventionGenetics, part of Exact Sciences
Classification: Likely benign for SMARCA4-related condition. Last evaluated: 2024-08-07. Review status: no assertion criteria provided. Collection method: clinical testing. Allele origin: germline. Not counted in ClinVar's aggregate classification.
Comment: This variant is classified as likely benign based on ACMG/AMP sequence variant interpretation guidelines (Richards et al. 2015 PMID: 25741868, with internal and published modifications).

NM_003072.5(SMARCA4):c.2736A>C (p.Thr912=)

Gene: SMARCA4 (SWI/SNF related BAF chromatin remodeling complex subunit ATPase 4; plus strand). Cytogenetic location: 19p13.2.
Variant type: single nucleotide variant.
Coding change: c.2736A>C on transcript NM_003072.5 (MANE Select); coding-DNA position 2736, A replaced by C.
Protein change: p.Thr912=; no amino-acid change (threonine 912 retained).
Molecular consequence: synonymous variant. On other transcripts: non-coding transcript variant (1).
Genome position (GRCh38, 1-based): chr19:11,021,844, A>C. VCF-style: chr19-11021844-A-C. GRCh37 (hg19) VCF-style: chr19-11132520-A-C.
Other names: c.2736A>C, p.Thr912= (NM_001128844.3, NM_001128845.2, NM_001128846.2 and 4 more transcripts).
Identifiers: ClinVar variation 729396 (VCV000729396.12), dbSNP rs1600278643, ClinGen allele CA505743590.